The following is an entry in ClinVar:

NM_001114753.3(ENG):c.1532C>A (p.Ala511Glu)

Genes: ENG (endoglin; minus strand), LOC102723566 (uncharacterized LOC102723566; plus strand). Cytogenetic location: 9q34.11.
Variant type: single nucleotide variant.
Coding change: c.1532C>A on transcript NM_001114753.3 (MANE Select); coding-DNA position 1532, C replaced by A.
Protein change: p.Ala511Glu; replaces alanine 511 with glutamic acid.
Molecular consequence: missense variant.
Genome position (GRCh38, 1-based): chr9:127,818,274, G>T on the plus strand (C>A on the coding strand, the complement: ENG is on the minus strand). VCF-style: chr9-127818274-G-T. GRCh37 (hg19) VCF-style: chr9-130580553-G-T.
Other names: c.1532C>A, p.Ala511Glu (NM_000118.4); c.986C>A, p.Ala329Glu (NM_001278138.2); c.1532C>A (NM_001114753.1); short protein forms A511E, A329E.
Identifiers: ClinVar variation 2037149 (VCV002037149.6), dbSNP rs200224098, ClinGen allele CA374975688.

ClinVar aggregate classification (germline): Uncertain significance. Review status: criteria provided, multiple submitters, no conflicts (2 of 4 stars). 3 submissions from 3 submitters: Uncertain significance (3). Last evaluated 2025-12-22.

Conditions:
Hereditary hemorrhagic telangiectasia (HHT). Also called: ORW DISEASE; Osler Weber Rendu syndrome; OSLER-RENDU-WEBER DISEASE; Osler hemorrhagic telangiectasia syndrome. Identifiers: Orphanet 774, MedGen C0039445, MONDO:0019180. Disease mechanism: loss of function.
Cardiovascular phenotype. Identifiers: MedGen CN230736.
Telangiectasia, hereditary hemorrhagic, type 1 (HHT1). Also called: Osler Weber Rendu syndrome type 1; ENG-Related Hereditary Hemorrhagic Telangiectasia. Identifiers: Orphanet 774, MedGen C4551861, MONDO:0008535, OMIM 187300. Disease mechanism: loss of function.

Submissions (3):

Ambry Genetics
Classification: Uncertain significance for Cardiovascular phenotype. Last evaluated: 2025-12-22. Review status: criteria provided, single submitter. Criteria: Ambry Variant Classification Scheme 2023. Collection method: clinical testing. Allele origin: germline.
Comment: The p.A511E variant (also known as c.1532C>A), located in coding exon 12 of the ENG gene, results from a C to A substitution at nucleotide position 1532. The alanine at codon 511 is replaced by glutamic acid, an amino acid with dissimilar properties. This amino acid position is conserved. In addition, this alteration is predicted to be tolerated by in silico analysis. Based on the available evidence, the clinical significance of this variant remains unclear.

Labcorp Genetics (formerly Invitae), Labcorp
Classification: Uncertain significance for Hereditary hemorrhagic telangiectasia. Last evaluated: 2025-08-07. Review status: criteria provided, single submitter. Criteria: Invitae Variant Classification Sherloc (09022015). Collection method: clinical testing. Allele origin: germline.
Comment: This sequence change replaces alanine, which is neutral and non-polar, with glutamic acid, which is acidic and polar, at codon 511 of the ENG protein (p.Ala511Glu). This variant is not present in population databases (gnomAD no frequency). This variant has not been reported in the literature in individuals affected with ENG-related conditions. ClinVar contains an entry for this variant (Variation ID: 2037149). Invitae Evidence Modeling of protein sequence and biophysical properties (such as structural, functional, and spatial information, amino acid conservation, physicochemical variation, residue mobility, and thermodynamic stability) indicates that this missense variant is not expected to disrupt ENG protein function with a negative predictive value of 95%. In summary, the available evidence is currently insufficient to determine the role of this variant in disease. Therefore, it has been classified as a Variant of Uncertain Significance.

ARUP Laboratories, Molecular Genetics and Genomics, ARUP Laboratories
Classification: Uncertain significance for Telangiectasia, hereditary hemorrhagic, type 1. Last evaluated: 2025-02-24. Review status: criteria provided, single submitter. Criteria: ARUP Molecular Germline Variant Investigation Process 2024. Collection method: clinical testing. Allele origin: germline.
Comment: The ENG c.1532C>A; p.Ala511Glu variant (rs200224098), to our knowledge, is not reported in the medical literature but is reported in ClinVar (Variation ID: 2037149). This variant is also absent from the Genome Aggregation Database (v2.1.1), indicating it is not a common polymorphism. Computational analyses are uncertain whether this variant is neutral or deleterious (REVEL: 0.233). Due to limited information, the clinical significance of this variant is uncertain at this time.